The following is an entry in ClinVar:

NM_001378969.1(KCND3):c.1051T>C (p.Phe351Leu)

Gene: KCND3 (potassium voltage-gated channel subfamily D member 3; minus strand). Cytogenetic location: 1p13.2.
Variant type: single nucleotide variant.
Coding change: c.1051T>C on transcript NM_001378969.1 (MANE Select); coding-DNA position 1051, T replaced by C.
Protein change: p.Phe351Leu; replaces phenylalanine 351 with leucine.
Molecular consequence: missense variant.
Genome position (GRCh38, 1-based): chr1:111,981,676, A>G on the plus strand (T>C on the coding strand, the complement: KCND3 is on the minus strand). VCF-style: chr1-111981676-A-G. GRCh37 (hg19) VCF-style: chr1-112524298-A-G.
Other names: c.1051T>C, p.Phe351Leu (NM_001378970.1, NM_004980.5, NM_172198.3); short protein forms F351L.
Identifiers: ClinVar variation 421079 (VCV000421079.3), dbSNP rs1064794895, ClinGen allele CA16616957.

ClinVar aggregate classification (germline): Conflicting classifications of pathogenicity. Review status: criteria provided, conflicting classifications (1 of 4 stars). 2 submissions from 2 submitters: Likely pathogenic (1); Uncertain significance (1). Last evaluated 2023-03-17.

Submissions (2):

Athena Diagnostics
Classification: Uncertain significance. Last evaluated: 2023-03-17. Review status: criteria provided, single submitter. Criteria: Athena Diagnostics Criteria. Collection method: clinical testing. Allele origin: unknown.
Comment: Available data are insufficient to determine the clinical significance of the variant at this time. This variant has not been reported in large, multi-ethnic general populations. Computational tools predict that this variant is damaging.

GeneDx
Classification: Likely pathogenic. Last evaluated: 2016-05-03. Review status: criteria provided, single submitter. Criteria: GeneDx Variant Classification (06012015). Collection method: clinical testing. Allele origin: germline. Affected: yes.
Comment: The F351L variant in the KCND3 gene has not been reported previously as a pathogenic variant, nor as a benign variant, to our knowledge. The F351L variant was not observed in approximately 6500 individuals of European and African American ancestry in the NHLBI Exome Sequencing Project, indicating it is not a common benign variant in these populations. The F351L variant is a conservative amino acid substitution, which is not likely to impact secondary protein structure as these residues share similar properties. This substitution occurs at a position that is conserved across species. In silico analysis is inconsistent in its predictions as to whether or not the variant is damaging to the protein structure/function. The F351L variant is a strong candidate for a pathogenic variant, however the possibility it may be a rare benign variant cannot be excluded.

Literature cited by the submitters: PubMed 33014011 (cited by Athena Diagnostics).